The following is an entry in ClinVar:

ClinVar aggregate classification (germline): Likely pathogenic (1 of 4 stars; one submission).

Conditions:
Intellectual developmental disorder with microcephaly and with or without ocular malformations or hypogonadotropic hypogonadism. Also called: Intellectual disability, autosomal dominant 27; Coffin-Siris Syndrome 9. Identifiers: Orphanet 1465, MedGen C4014528, MONDO:0014376, OMIM 615866.

Submission:

SIB Swiss Institute of Bioinformatics
Classification: Likely pathogenic for Intellectual developmental disorder with microcephaly and with or without ocular malformations or hypogonadotropic hypogonadism. Last evaluated: 2023-03-09. Review status: criteria provided, single submitter. Criteria: ACMG Guidelines, 2015. Collection method: curation. Allele origin: unknown.
Comment: This variant is interpreted as likely pathogenic for Intellectual developmental disorder with microcephaly and with or without ocular malformations or hypogonadotropic hypogonadism, autosomal dominant. The following ACMG Tag(s) were applied: Absent from controls (or at extremely low frequency if recessive) in Exome Sequencing Project, 1000 Genomes Project, or Exome Aggregation Consortium (PM2); De novo paternity and maternity not confirmed (PM6); Located in a mutational hot spot and/or critical and well-established functional domain (e.g., active site of an enzyme) without benign variation (PM1); Novel missense change at an amino acid residue where a different missense change determined to be pathogenic has been seen before (PM5); Multiple lines of computational evidence support a deleterious effect on the gene or gene product (PP3).

Literature cited by the submitters: PubMed 35341651.

NM_003108.4(SOX11):c.157A>G (p.Met53Val)

Gene: SOX11 (SRY-box transcription factor 11; plus strand). Cytogenetic location: 2p25.2.
Variant type: single nucleotide variant.
Coding change: c.157A>G on transcript NM_003108.4 (MANE Select); coding-DNA position 157, A replaced by G.
Protein change: p.Met53Val; replaces methionine 53 with valine.
Molecular consequence: missense variant.
Genome position (GRCh38, 1-based): chr2:5,692,878, A>G. VCF-style: chr2-5692878-A-G. GRCh37 (hg19) VCF-style: chr2-5833010-A-G.
Other names: short protein forms M53V.
Identifiers: ClinVar variation 2443012 (VCV002443012.1), dbSNP rs2465087396, ClinGen allele CA345866061.